The following is an entry in ClinVar:

ClinVar aggregate classification (germline): Pathogenic. Review status: reviewed by expert panel (3 of 4 stars). 4 submissions from 4 submitters: Pathogenic (1). 3 of the submissions do not count toward it. Last evaluated 2016-09-08.

Conditions:
Breast and/or ovarian cancer. Identifiers: MedGen CN221562.
Breast-ovarian cancer, familial, susceptibility to, 2 (BROVCA2). Also called: BRCA2 Hereditary Breast and Ovarian Cancer. Identifiers: Orphanet 145, MedGen C2675520, MONDO:0012933, OMIM 612555. Disease mechanism: loss of function.
Hereditary cancer-predisposing syndrome. Also called: Hereditary Cancer Syndrome; Neoplastic Syndromes, Hereditary; Tumor predisposition; Hereditary neoplastic syndrome. Identifiers: Orphanet 140162, MedGen C0027672, MeSH D009386, MONDO:0015356.

Submissions (4):

Evidence-based Network for the Interpretation of Germline Mutant Alleles (ENIGMA)
Classification: Pathogenic for Breast-ovarian cancer, familial, susceptibility to, 2. Last evaluated: 2016-09-08. Review status: reviewed by expert panel. Criteria: ENIGMA BRCA1/2 Classification Criteria (2015). Collection method: curation. Allele origin: germline.
Comment: Variant allele predicted to encode a truncated non-functional protein.

Ambry Genetics
Classification: Pathogenic for Hereditary cancer-predisposing syndrome. Last evaluated: 2025-02-18. Review status: criteria provided, single submitter. Criteria: Ambry Variant Classification Scheme 2023. Collection method: clinical testing. Allele origin: germline. Not counted in ClinVar's aggregate classification.
Comment: The p.S3094* pathogenic mutation (also known as c.9281C>G), located in coding exon 24 of the BRCA2 gene, results from a C to G substitution at nucleotide position 9281. This changes the amino acid from a serine to a stop codon within coding exon 24. This alteration is expected to result in loss of function by premature protein truncation or nonsense-mediated mRNA decay. As such, this alteration is interpreted as a disease-causing mutation.

CHEO Genetics Diagnostic Laboratory, Children's Hospital of Eastern Ontario
Classification: Likely pathogenic for Breast and/or ovarian cancer. Last evaluated: 2016-07-21. Review status: criteria provided, single submitter. Criteria: ACMG Guidelines, 2015. Collection method: clinical testing. Allele origin: germline. Study: Canadian Open Genetics Repository. Not counted in ClinVar's aggregate classification.

BRCAlab, Lund University
Classification: Pathogenic for Breast-ovarian cancer, familial, susceptibility to, 2. Last evaluated: 2022-08-26. Review status: no assertion criteria provided. Collection method: clinical testing. Allele origin: germline. Affected: yes. Not counted in ClinVar's aggregate classification.

NM_000059.4(BRCA2):c.9281C>G (p.Ser3094Ter)

Gene: BRCA2 (BRCA2 DNA repair associated; plus strand). Cytogenetic location: 13q13.1.
Variant type: single nucleotide variant.
Coding change: c.9281C>G on transcript NM_000059.4 (MANE Select); coding-DNA position 9281, C replaced by G.
Protein change: p.Ser3094Ter; replaces serine 3094 with a stop codon.
Molecular consequence: nonsense.
Genome position (GRCh38, 1-based): chr13:32,394,713, C>G. VCF-style: chr13-32394713-C-G. GRCh37 (hg19) VCF-style: chr13-32968850-C-G.
Other names: short protein forms S3094*.
Identifiers: ClinVar variation 188440 (VCV000188440.26), dbSNP rs786204283, ClinGen allele CA026085.
Genomic context (GRCh38, chr13:32,394,713, plus strand): 5'-CTATAATAACATTCTTTTCTTTTTTTTCCATTCTAGGACTTGCCCCTTTCGTCTATTTGT[C>G]AGACGAATGTTACAATTTACTGGCAATAAAGTTTTGGATAGACCTTAATGAGGACATTAT-3'